The following is an entry in ClinVar:

ClinVar aggregate classification (germline): Likely benign (1 of 4 stars; one submission).

gnomAD v4.1: 1 of 1,614,098 alleles (0.000062%); highest among the groups gnomAD compares: South Asian, 0.0011%; no homozygotes.

Submission:

CeGaT Center for Human Genetics Tuebingen
Classification: Likely benign. Last evaluated: 2025-08-01. Review status: criteria provided, single submitter. Criteria: CeGaT Center For Human Genetics Tuebingen Variant Classification Criteria Version 2. Collection method: clinical testing. Allele origin: germline. Affected: yes. Observed: 1 variant allele.
Comment: DICER1: BP4, BP7

NM_177438.3(DICER1):c.2922A>G (p.Thr974=)

Gene: DICER1 (dicer 1, ribonuclease III; minus strand). Cytogenetic location: 14q32.13.
Variant type: single nucleotide variant.
Coding change: c.2922A>G on transcript NM_177438.3 (MANE Select); coding-DNA position 2922, A replaced by G.
Protein change: p.Thr974=; no amino-acid change (threonine 974 retained).
Molecular consequence: synonymous variant. On other transcripts: non-coding transcript variant (6).
Genome position (GRCh38, 1-based): chr14:95,106,106, T>C on the plus strand (A>G on the coding strand, the complement: DICER1 is on the minus strand). VCF-style: chr14-95106106-T-C. GRCh37 (hg19) VCF-style: chr14-95572443-T-C.
Other names: c.2922A>G, p.Thr974= (NM_001195573.1, NM_001271282.3, NM_001291628.2 and 12 more transcripts); c.2640A>G, p.Thr880= (NM_001395686.1); c.2517A>G, p.Thr839= (NM_001395687.1, NM_001395688.1, NM_001395689.1 and 2 more transcripts); c.2355A>G, p.Thr785= (NM_001395691.1); c.1239A>G, p.Thr413= (NM_001395697.1).
Identifiers: ClinVar variation 4085757 (VCV004085757.8).